The following is an entry in ClinVar:

ClinVar aggregate classification (germline): Uncertain significance (1 of 4 stars; one submission).

Conditions:
Familial meningioma. Also called: Meningioma, familial, susceptibility to. Identifiers: Orphanet 263662, MedGen C3551915, MONDO:0011789, OMIM 607174.

Submission:

Labcorp Genetics (formerly Invitae), Labcorp
Classification: Uncertain significance for Familial meningioma. Last evaluated: 2025-06-29. Review status: criteria provided, single submitter. Criteria: Invitae Variant Classification Sherloc (09022015). Collection method: clinical testing. Allele origin: germline.
Comment: This sequence change replaces glycine, which is neutral and non-polar, with valine, which is neutral and non-polar, at codon 357 of the SMARCE1 protein (p.Gly357Val). This variant is not present in population databases (gnomAD no frequency). This variant has not been reported in the literature in individuals affected with SMARCE1-related conditions. Invitae Evidence Modeling of protein sequence and biophysical properties (such as structural, functional, and spatial information, amino acid conservation, physicochemical variation, residue mobility, and thermodynamic stability) indicates that this missense variant is not expected to disrupt SMARCE1 protein function with a negative predictive value of 80%. In summary, the available evidence is currently insufficient to determine the role of this variant in disease. Therefore, it has been classified as a Variant of Uncertain Significance.

NM_003079.5(SMARCE1):c.1070G>T (p.Gly357Val)

Gene: SMARCE1 (SWI/SNF related BAF chromatin remodeling complex subunit E1; minus strand). Cytogenetic location: 17q21.2.
Variant type: single nucleotide variant.
Coding change: c.1070G>T on transcript NM_003079.5 (MANE Select); coding-DNA position 1070, G replaced by T.
Protein change: p.Gly357Val; replaces glycine 357 with valine.
Molecular consequence: missense variant.
Genome position (GRCh38, 1-based): chr17:40,628,951, C>A on the plus strand (G>T on the coding strand, the complement: SMARCE1 is on the minus strand). VCF-style: chr17-40628951-C-A. GRCh37 (hg19) VCF-style: chr17-38785203-C-A.
Other names: short protein forms G357V.
Identifiers: ClinVar variation 4742354 (VCV004742354.1).
Genomic context (GRCh38, chr17:40,628,951, plus strand): 5'-ATACTGTCGACCCCCTCCTGCCCACTCTCCTTGTCCTCAGGAGTAGACGTGCCTTCTTCA[C>A]CATTCTGTTGGCTCTCTGTTGTTTCTTCAAGGTGTGTCTCCTCTGTAATCACACATTTGT-3'
Protein context (NP_003070.3, residues 347-367): LEETTESQQN[Gly357Val]EEGTSTPEDK